The following is an entry in ClinVar:

NM_020988.3(GNAO1):c.143C>T (p.Thr48Ile)

Gene: GNAO1 (G protein subunit alpha o1; plus strand). Cytogenetic location: 16q13.
Variant type: single nucleotide variant.
Coding change: c.143C>T on transcript NM_020988.3 (MANE Select); coding-DNA position 143, C replaced by T.
Protein change: p.Thr48Ile; replaces threonine 48 with isoleucine.
Molecular consequence: missense variant.
Genome position (GRCh38, 1-based): chr16:56,192,598, C>T. VCF-style: chr16-56192598-C-T. GRCh37 (hg19) VCF-style: chr16-56226510-C-T.
Other names: c.143C>T, p.Thr48Ile (NM_138736.3); short protein forms T48I.
Identifiers: ClinVar variation 435341 (VCV000435341.14), dbSNP rs1555499800, ClinGen allele CA396128621.

ClinVar aggregate classification (germline): Pathogenic/Likely pathogenic. Review status: criteria provided, multiple submitters, no conflicts (2 of 4 stars). 4 submissions from 4 submitters: Pathogenic (3); Likely pathogenic (1). Last evaluated 2024-05-07.

Conditions:
Developmental and epileptic encephalopathy, 17 (DEE17). Also called: Early infantile epileptic encephalopathy 17. Identifiers: Orphanet 1934, MedGen C3809606, MONDO:0014199, OMIM 615473.
Early-infantile DEE. Also called: Early infantile epileptic encephalopathy with suppression bursts; Ohtahara syndrome; Early infantile epileptic encephalopathy. Identifiers: Orphanet 1934, MedGen C0393706, MONDO:0800491.
GNAO1-related disorder. Also called: GNAO1-related condition; GNAO1-Related Disorders. Identifiers: MedGen CN381308.
Neurodevelopmental disorder with involuntary movements (NEDIM). Identifiers: Orphanet 592564, MedGen C4479569, MONDO:0060491, OMIM 617493.
Inborn genetic diseases. Identifiers: MedGen C0950123, MeSH D030342.

Submissions (4):

Blueprint Genetics
Classification: Pathogenic for GNAO1-related disorders. Last evaluated: 2024-05-07. Review status: criteria provided, single submitter. Criteria: ACMG Guidelines, 2015. Collection method: clinical testing. Allele origin: germline. Affected: yes. Observed: 1 variant allele.

Labcorp Genetics (formerly Invitae), Labcorp
Classification: Pathogenic for Early-infantile DEE. Last evaluated: 2024-04-22. Review status: criteria provided, single submitter. Criteria: Invitae Variant Classification Sherloc (09022015). Collection method: clinical testing. Allele origin: germline.
Comment: This sequence change replaces threonine, which is neutral and polar, with isoleucine, which is neutral and non-polar, at codon 48 of the GNAO1 protein (p.Thr48Ile). This variant is not present in population databases (gnomAD no frequency). This missense change has been observed in individual(s) with clinical features of developmental and epileptic encephalopathy (Invitae). In at least one individual the variant was observed to be de novo. ClinVar contains an entry for this variant (Variation ID: 435341). Advanced modeling of protein sequence and biophysical properties (such as structural, functional, and spatial information, amino acid conservation, physicochemical variation, residue mobility, and thermodynamic stability) performed at Invitae indicates that this missense variant is expected to disrupt GNAO1 protein function with a positive predictive value of 95%. For these reasons, this variant has been classified as Pathogenic.

Ambry Genetics
Classification: Pathogenic for Inborn genetic diseases. Last evaluated: 2024-03-14. Review status: criteria provided, single submitter. Criteria: Ambry Variant Classification Scheme 2023. Collection method: clinical testing. Allele origin: germline.
Comment: The c.143C>T (p.T48I) alteration is located in exon 2 (coding exon 2) of the GNAO1 gene. This alteration results from a C to T substitution at nucleotide position 143, causing the threonine (T) at amino acid position 48 to be replaced by an isoleucine (I). This variant was not reported in population-based cohorts in the Genome Aggregation Database (gnomAD). This variant has been determined to be the result of a de novo mutation in multiple individuals with features consistent with epilepsy, movement disorders, seizures, and other clinical features consistent with GNAO1 encephalopathy (Dom&iacute;nguez-Carral, 2023; Li, 2023). This amino acid position is highly conserved in available vertebrate species. This alteration is predicted to be deleterious by in silico analysis. Based on the available evidence, this alteration is classified as pathogenic.

Genetic Services Laboratory, University of Chicago
Classification: Likely pathogenic for Epileptic encephalopathy, early infantile, 17. Last evaluated: 2016-07-05. Review status: criteria provided, single submitter. Criteria: ACMG Guidelines, 2015. Collection method: clinical testing. Allele origin: germline. Affected: yes.

Literature cited by the submitters: PubMed 37548038 (cited by Ambry Genetics); PubMed 37705601 (cited by Ambry Genetics).